The following is an entry in ClinVar:

ClinVar aggregate classification (germline): Uncertain significance (1 of 4 stars; one submission).

Conditions:
Noonan syndrome-like disorder with loose anagen hair (NS/LAH). Also called: Noonan-like syndrome with loose anagen hair. Identifiers: Orphanet 2701, MedGen C1843181, MONDO:0011899.

Submission:

GeneDx
Classification: Uncertain significance. Last evaluated: 2023-07-20. Review status: criteria provided, single submitter. Criteria: GeneDx Variant Classification Process June 2021. Collection method: clinical testing. Allele origin: germline. Affected: yes.
Comment: Not observed at significant frequency in large population cohorts (gnomAD); In silico analysis supports that this missense variant has a deleterious effect on protein structure/function; Has not been previously published as pathogenic or benign to our knowledge; This variant is associated with the following publications: (PMID: 29493581)

NM_007373.4(SHOC2):c.566A>G (p.Tyr189Cys)

Gene: SHOC2 (SHOC2 leucine rich repeat scaffold protein; plus strand). Cytogenetic location: 10q25.2.
Variant type: single nucleotide variant.
Coding change: c.566A>G on transcript NM_007373.4 (MANE Select); coding-DNA position 566, A replaced by G.
Protein change: p.Tyr189Cys; replaces tyrosine 189 with cysteine.
Molecular consequence: missense variant.
Genome position (GRCh38, 1-based): chr10:110,964,924, A>G. VCF-style: chr10-110964924-A-G. GRCh37 (hg19) VCF-style: chr10-112724682-A-G.
Other names: c.566A>G, p.Tyr189Cys (NM_001269039.3, NM_001324336.2, NM_001324337.2); short protein forms Y189C.
Identifiers: ClinVar variation 3361034 (VCV003361034.2).